The following is an entry in ClinVar:

ClinVar aggregate classification (germline): Uncertain significance (1 of 4 stars; one submission).

Conditions:
Mucopolysaccharidosis, MPS-III-A (MPS3A). Also called: HEPARAN SULFATE SULFATASE DEFICIENCY; SANFILIPPO SYNDROME A; SULFAMIDASE DEFICIENCY; MPS III A; Mucopolysaccharidosis type IIIA (Sanfilippo A); Mucopolysaccharidosis, type IIIA. Identifiers: Orphanet 581, Orphanet 79269, MedGen C0086647, MONDO:0009655, OMIM 252900.

Submission:

Labcorp Genetics (formerly Invitae), Labcorp
Classification: Uncertain significance for Mucopolysaccharidosis, MPS-III-A. Last evaluated: 2022-06-18. Review status: criteria provided, single submitter. Criteria: Invitae Variant Classification Sherloc (09022015). Collection method: clinical testing. Allele origin: germline.
Comment: In summary, the available evidence is currently insufficient to determine the role of this variant in disease. Therefore, it has been classified as a Variant of Uncertain Significance. Algorithms developed to predict the effect of missense changes on protein structure and function (SIFT, PolyPhen-2, Align-GVGD) all suggest that this variant is likely to be tolerated. This variant has not been reported in the literature in individuals affected with SGSH-related conditions. This variant is not present in population databases (gnomAD no frequency). This sequence change replaces tryptophan, which is neutral and slightly polar, with leucine, which is neutral and non-polar, at codon 358 of the SGSH protein (p.Trp358Leu).

NM_000199.5(SGSH):c.1073G>T (p.Trp358Leu)

Gene: SGSH (N-sulfoglucosamine sulfohydrolase; minus strand). Cytogenetic location: 17q25.3.
Variant type: single nucleotide variant.
Coding change: c.1073G>T on transcript NM_000199.5 (MANE Select); coding-DNA position 1073, G replaced by T.
Protein change: p.Trp358Leu; replaces tryptophan 358 with leucine.
Molecular consequence: missense variant. On other transcripts: 3 prime UTR variant (2), non-coding transcript variant (1).
Genome position (GRCh38, 1-based): chr17:80,210,888, C>A on the plus strand (G>T on the coding strand, the complement: SGSH is on the minus strand). VCF-style: chr17-80210888-C-A. GRCh37 (hg19) VCF-style: chr17-78184687-C-A.
Other names: c.*160G>T (NM_001352921.3); c.*123G>T (NM_001352922.2); short protein forms W358L.
Identifiers: ClinVar variation 1995256 (VCV001995256.4), dbSNP rs2041622931, ClinGen allele CA401359204.